The following is an entry in ClinVar:

ClinVar aggregate classification (germline): Likely benign. Review status: criteria provided, multiple submitters, no conflicts (2 of 4 stars). 2 submissions from 2 submitters: Likely benign (2). Last evaluated 2025-06-13.

Allele frequency attached by ClinVar (database versions not stated): gnomAD 0.00002 and 0.00005; ESP Exome Variant Server 0.00008; gnomAD exomes 0.00006 and 0.00003; ExAC 0.00024; TOPMed 0.00003.
gnomAD v4.1: 51 of 1,591,288 alleles (0.0032%); highest among the groups gnomAD compares: South Asian, 0.038%; no homozygotes.

Submissions (2):

Mayo Clinic Laboratories, Mayo Clinic
Classification: Likely benign. Last evaluated: 2025-06-13. Review status: criteria provided, single submitter. Criteria: ACMG Guidelines, 2015. Collection method: clinical testing. Allele origin: germline. Observed: 1 variant allele.
Comment: BP4, BP7

Labcorp Genetics (formerly Invitae), Labcorp
Classification: Likely benign. Last evaluated: 2025-03-31. Review status: criteria provided, single submitter. Criteria: Invitae Variant Classification Sherloc (09022015). Collection method: clinical testing. Allele origin: germline.

NM_002017.5(FLI1):c.834C>T (p.Ser278=)

Gene: FLI1 (Fli-1 proto-oncogene, ETS transcription factor; plus strand). Cytogenetic location: 11q24.3.
Variant type: single nucleotide variant.
Coding change: c.834C>T on transcript NM_002017.5 (MANE Select); coding-DNA position 834, C replaced by T.
Protein change: p.Ser278=; no amino-acid change (serine 278 retained).
Molecular consequence: synonymous variant.
Genome position (GRCh38, 1-based): chr11:128,810,463, C>T. VCF-style: chr11-128810463-C-T. GRCh37 (hg19) VCF-style: chr11-128680358-C-T.
Other names: p.Ser278=; c.735C>T, p.Ser245= (NM_001167681.3); c.636C>T, p.Ser212= (NM_001271010.2); c.255C>T, p.Ser85= (NM_001271012.2).
Identifiers: ClinVar variation 717445 (VCV000717445.5), dbSNP rs375151134, ClinGen allele CA6357280.